The following is an entry in ClinVar:

ClinVar aggregate classification (germline): Likely pathogenic (1 of 4 stars; one submission).

Conditions:
Lysosomal acid lipase deficiency. Also called: Acid cholesteryl ester hydrolase deficiency, type 2. Identifiers: Orphanet 275761, MedGen C5574740, MONDO:0800449, MONDO:0010204.

Submission:

Myriad Genetics, Inc.
Classification: Likely pathogenic for Cholesteryl ester storage disease. Last evaluated: 2022-03-15. Review status: criteria provided, single submitter. Criteria: Myriad Women's Health Autosomal Recessive and X-Linked Classification Criteria (2021). Collection method: clinical testing. Allele origin: unknown.
Comment: NM_000235.2(LIPA):c.420_421delGG(W140Cfs*5) is expected to be pathogenic in the context of lysosomal acid lipase deficiency. This variant is predicted to lead to an abnormal or absent protein product due to the creation of a premature termination codon in LIPA, a gene where loss-of-function variants are known to be pathogenic. Please note: this variant was assessed in the context of healthy population screening.

NM_000235.4(LIPA):c.420_421del (p.Trp140fs)

Gene: LIPA (lipase A, lysosomal acid type; minus strand). Cytogenetic location: 10q23.31.
Variant type: Deletion.
Coding change: c.420_421del on transcript NM_000235.4 (MANE Select); coding-DNA positions 420 to 421, 2 bases deleted (GG; older notation c.420_421delGG).
Protein change: p.Trp140fs; shifts the reading frame from tryptophan 140.
Molecular consequence: frameshift variant.
Genome position (GRCh38, 1-based): chr10:89,228,207-89,228,208, CC deleted on the plus strand (GG on the coding strand, the reverse complement: LIPA is on the minus strand); deleting any 2 consecutive bases within chr10:89,228,207-89,228,209 gives the same sequence; the c. name uses the placement nearest the transcript's 3' end. VCF-style (leftmost placement, unchanged base first): chr10-89228206-GCC-G. GRCh37 (hg19) VCF-style: chr10-90987963-GCC-G.
Other names: c.420_421del, p.Trp140fs (NM_001127605.3); c.72_73del, p.Trp24fs (NM_001288979.2); short protein forms W140fs, W24fs.
Identifiers: ClinVar variation 1725309 (VCV001725309.2), dbSNP rs2495595027, ClinGen allele CA2580082278.